The following is an entry in ClinVar:

ClinVar aggregate classification (germline): Likely pathogenic (1 of 4 stars; one submission).

Conditions:
Hereditary angioedema type 1 (HAE1). Identifiers: Orphanet 100050, Orphanet 100051, Orphanet 91378, MedGen C2717906, MONDO:0015053, OMIM 106100.

Submission:

DNA-diagnostics Laboratory, Research Centre For Medical Genetics
Classification: Likely pathogenic for Hereditary angioedema type 1. Last evaluated: 2024-07-14. Review status: criteria provided, single submitter. Criteria: ACMG Guidelines, 2015. Collection method: research. Allele origin: germline. Inheritance: Autosomal dominant inheritance. Affected: yes. Observed: 2 variant alleles, 2 heterozygotes.
Comment: The c.-22-3C>G variant in SERPING1 meets ACMG/ClinGen SVI guidance criteria to be classified as likely pathogenic: PP4_Str, PS1_Mod, PM2_Sup, PP3

NM_000062.3(SERPING1):c.-22-3C>G

Gene: SERPING1 (serpin family G member 1; plus strand). Cytogenetic location: 11q12.1.
Variant type: single nucleotide variant.
Coding change: c.-22-3C>G on transcript NM_000062.3 (MANE Select); 3 bases into the intron before 22 bases upstream of the start codon, C replaced by G.
Molecular consequence: intron variant. On other transcripts: 5 prime UTR variant (1).
Genome position (GRCh38, 1-based): chr11:57,598,246, C>G. VCF-style: chr11-57598246-C-G. GRCh37 (hg19) VCF-style: chr11-57365719-C-G.
Other names: c.-25C>G (NM_001032295.2).
Identifiers: ClinVar variation 3253590 (VCV003253590.2), dbSNP rs2495420847.